The following is an entry in ClinVar:

ClinVar aggregate classification (germline): Uncertain significance (1 of 4 stars; one submission).

Submission:

Labcorp Genetics (formerly Invitae), Labcorp
Classification: Uncertain significance. Last evaluated: 2024-12-16. Review status: criteria provided, single submitter. Criteria: Invitae Variant Classification Sherloc (09022015). Collection method: clinical testing. Allele origin: germline.
Comment: This sequence change replaces glutamic acid, which is acidic and polar, with glutamine, which is neutral and polar, at codon 353 of the SLC9A3R1 protein (p.Glu353Gln). This variant is not present in population databases (gnomAD no frequency). This variant has not been reported in the literature in individuals affected with SLC9A3R1-related conditions. ClinVar contains an entry for this variant (Variation ID: 1019205). An algorithm developed to predict the effect of missense changes on protein structure and function (PolyPhen-2) suggests that this variant is likely to be disruptive. In summary, the available evidence is currently insufficient to determine the role of this variant in disease. Therefore, it has been classified as a Variant of Uncertain Significance.

NM_004252.5(NHERF1):c.1057G>C (p.Glu353Gln)

Gene: NHERF1 (NHERF family PDZ scaffold protein 1; plus strand). Cytogenetic location: 17q25.1.
Variant type: single nucleotide variant.
Coding change: c.1057G>C on transcript NM_004252.5 (MANE Select); coding-DNA position 1057, G replaced by C.
Protein change: p.Glu353Gln; replaces glutamic acid 353 with glutamine.
Molecular consequence: missense variant.
Genome position (GRCh38, 1-based): chr17:74,768,636, G>C. VCF-style: chr17-74768636-G-C. GRCh37 (hg19) VCF-style: chr17-72764775-G-C.
Other names: short protein forms E353Q.
Identifiers: ClinVar variation 1019205 (VCV001019205.7), dbSNP rs144091666, ClinGen allele CA400942804.